The following is an entry in ClinVar:

NM_001165963.4(SCN1A):c.5351T>A (p.Val1784Asp)

Genes: SCN1A (sodium voltage-gated channel alpha subunit 1; minus strand), LOC102724058 (uncharacterized LOC102724058; plus strand). Cytogenetic location: 2q24.3.
Variant type: single nucleotide variant.
Coding change: c.5351T>A on transcript NM_001165963.4 (MANE Select); coding-DNA position 5351, T replaced by A.
Protein change: p.Val1784Asp; replaces valine 1784 with aspartic acid.
Molecular consequence: missense variant. On other transcripts: non-coding transcript variant (1).
Genome position (GRCh38, 1-based): chr2:165,991,924, A>T on the plus strand (T>A on the coding strand, the complement: SCN1A is on the minus strand). VCF-style: chr2-165991924-A-T. GRCh37 (hg19) VCF-style: chr2-166848434-A-T.
Other names: c.5267T>A, p.Val1756Asp (NM_001165964.3, NM_001353957.2, NM_001353958.2); c.5351T>A, p.Val1784Asp (NM_001202435.3, NM_001353948.2); c.5318T>A, p.Val1773Asp (NM_001353949.2, NM_001353950.2, NM_001353951.2 and 2 more transcripts); c.5315T>A, p.Val1772Asp (NM_001353954.2, NM_001353955.2); c.5264T>A, p.Val1755Asp (NM_001353960.2); c.2909T>A, p.Val970Asp (NM_001353961.2); short protein forms V1773D, V1784D, V1755D, V1772D, V970D, V1756D.
Identifiers: ClinVar variation 488186 (VCV000488186.8), dbSNP rs1057518671, ClinGen allele CA349068040.

ClinVar aggregate classification (germline): Likely pathogenic. Review status: criteria provided, single submitter (1 of 4 stars). 2 submissions from 2 submitters: Likely pathogenic (1). 1 of the submissions does not count toward it. Last evaluated 2025-08-21.

Conditions:
Early-infantile DEE. Also called: Ohtahara syndrome; Early infantile epileptic encephalopathy; Early infantile epileptic encephalopathy with suppression bursts. Identifiers: Orphanet 1934, MedGen C0393706, MONDO:0800491.
Severe myoclonic epilepsy in infancy (DRVT). Also called: SEVERE MYOCLONIC EPILEPSY OF INFANCY; DEVELOPMENTAL AND EPILEPTIC ENCEPHALOPATHY 6A; Severe Myoclonic Epilepsy in Infancy (SMEI); Epileptic encephalopathy, early infantile, 6 (Dravet syndrome); Dravet syndrome. Identifiers: Orphanet 33069, MedGen C0751122, MONDO:0100135, OMIM 607208.

Submissions (2):

Labcorp Genetics (formerly Invitae), Labcorp
Classification: Likely pathogenic for Early-infantile DEE. Last evaluated: 2025-08-21. Review status: criteria provided, single submitter. Criteria: Invitae Variant Classification Sherloc (09022015). Collection method: clinical testing. Allele origin: germline.
Comment: This sequence change replaces valine, which is neutral and non-polar, with aspartic acid, which is acidic and polar, at codon 1784 of the SCN1A protein (p.Val1784Asp). This variant is not present in population databases (gnomAD no frequency). This missense change has been observed in individual(s) with developmental and epileptic encephalopathy (PMID: 34979677). ClinVar contains an entry for this variant (Variation ID: 488186). Invitae Evidence Modeling of protein sequence and biophysical properties (such as structural, functional, and spatial information, amino acid conservation, physicochemical variation, residue mobility, and thermodynamic stability) indicates that this missense variant is expected to disrupt SCN1A protein function with a positive predictive value of 95%. In summary, the currently available evidence indicates that the variant is pathogenic, but additional data are needed to prove that conclusively. Therefore, this variant has been classified as Likely Pathogenic.

Foundation for Research in Genetics and Endocrinology, FRIGE's Institute of Human Genetics
Classification: Uncertain significance for Severe myoclonic epilepsy in infancy. Last evaluated: 2017-11-07. Review status: no assertion criteria provided. Collection method: clinical testing. Allele origin: unknown. Inheritance: Autosomal dominant inheritance. Affected: yes. Observed: 1 variant allele, 1 heterozygote. Not counted in ClinVar's aggregate classification.
Comment: The observed variant c.5351T>A (p.V1784D) has not been reported in The 1000 Genomes or ExAC databases. Also, it has not been reported in any literature. The in silico prediction of the variant is found to be damaging by SIFT, LRT, MutationTaster2, PolyPhen-2, Mutation Assessor and FATHMM.

Literature cited by the submitters: PubMed 34979677 (cited by Labcorp Genetics (formerly Invitae), Labcorp).